The following is an entry in ClinVar:

ClinVar aggregate classification (germline): Uncertain significance (1 of 4 stars; one submission).

gnomAD v4.1: 1 of 1,614,132 alleles (0.000062%); no homozygotes.

Submission:

Labcorp Genetics (formerly Invitae), Labcorp
Classification: Uncertain significance. Last evaluated: 2022-10-18. Review status: criteria provided, single submitter. Criteria: Invitae Variant Classification Sherloc (09022015). Collection method: clinical testing. Allele origin: germline.
Comment: In summary, the available evidence is currently insufficient to determine the role of this variant in disease. Therefore, it has been classified as a Variant of Uncertain Significance. This sequence change replaces aspartic acid, which is acidic and polar, with asparagine, which is neutral and polar, at codon 1641 of the NBAS protein (p.Asp1641Asn). Advanced modeling of protein sequence and biophysical properties (such as structural, functional, and spatial information, amino acid conservation, physicochemical variation, residue mobility, and thermodynamic stability) performed at Invitae indicates that this missense variant is not expected to disrupt NBAS protein function. ClinVar contains an entry for this variant (Variation ID: 1517900). This variant has not been reported in the literature in individuals affected with NBAS-related conditions. This variant is not present in population databases (gnomAD no frequency).

NM_015909.4(NBAS):c.4921G>A (p.Asp1641Asn)

Gene: NBAS (NBAS subunit of NRZ tethering complex; minus strand). Cytogenetic location: 2p24.3.
Variant type: single nucleotide variant.
Coding change: c.4921G>A on transcript NM_015909.4 (MANE Select); coding-DNA position 4921, G replaced by A.
Protein change: p.Asp1641Asn; replaces aspartic acid 1641 with asparagine.
Molecular consequence: missense variant. On other transcripts: non-coding transcript variant (1).
Genome position (GRCh38, 1-based): chr2:15,292,643, C>T on the plus strand (G>A on the coding strand, the complement: NBAS is on the minus strand). VCF-style: chr2-15292643-C-T. GRCh37 (hg19) VCF-style: chr2-15432767-C-T.
Other names: short protein forms D1641N.
Identifiers: ClinVar variation 1517900 (VCV001517900.5), dbSNP rs2148112814, ClinGen allele CA345889562.